The following is an entry in ClinVar:

ClinVar aggregate classification (germline): Likely benign. Review status: criteria provided, multiple submitters, no conflicts (2 of 4 stars). 2 submissions from 2 submitters: Likely benign (2). Last evaluated 2025-11-12.

Conditions:
ATL3-related disorder. Also called: ATL3-related condition.
Neuropathy, hereditary sensory, type 1F. Also called: HSN IF; Hereditary sensory neuropathy type IF. Identifiers: Orphanet 36386, MedGen C3810194, MONDO:0014286, OMIM 615632.

Allele frequency attached by ClinVar (database versions not stated): gnomAD 0.00005; TOPMed 0.00005.
gnomAD v4.1: 38 of 1,609,924 alleles (0.0024%); highest among the groups gnomAD compares: Non-Finnish European, 0.0029%; no homozygotes.

Submissions (2):

Labcorp Genetics (formerly Invitae), Labcorp
Classification: Likely benign for Neuropathy, hereditary sensory, type 1F. Last evaluated: 2025-11-12. Review status: criteria provided, single submitter. Criteria: Invitae Variant Classification Sherloc (09022015). Collection method: clinical testing. Allele origin: germline.

PreventionGenetics, part of Exact Sciences
Classification: Likely benign for ATL3-related condition. Last evaluated: 2025-09-16. Review status: criteria provided, single submitter. Criteria: ACMG Guidelines, 2015. Collection method: clinical testing. Allele origin: germline.
Comment: This variant is classified as likely benign based on ACMG/AMP sequence variant interpretation guidelines (Richards et al. 2015 PMID: 25741868, with internal and published modifications).

NM_015459.5(ATL3):c.47-10A>G

Gene: ATL3 (atlastin GTPase 3; minus strand). Cytogenetic location: 11q13.1.
Variant type: single nucleotide variant.
Coding change: c.47-10A>G on transcript NM_015459.5 (MANE Select); 10 bases into the intron before coding-DNA position 47, A replaced by G.
Molecular consequence: intron variant.
Genome position (GRCh38, 1-based): chr11:63,659,262, T>C on the plus strand (A>G on the coding strand, the complement: ATL3 is on the minus strand). VCF-style: chr11-63659262-T-C. GRCh37 (hg19) VCF-style: chr11-63426734-T-C.
Other names: c.47-10A>G (NM_015459.4); c.-8-10A>G (NM_001290048.2).
Identifiers: ClinVar variation 2155718 (VCV002155718.5), dbSNP rs761009322, ClinGen allele CA223749513.